The following is an entry in ClinVar:

NM_001903.5(CTNNA1):c.937A>G (p.Ile313Val)

Gene: CTNNA1 (catenin alpha 1; plus strand). Cytogenetic location: 5q31.2.
Variant type: single nucleotide variant.
Coding change: c.937A>G on transcript NM_001903.5 (MANE Select); coding-DNA position 937, A replaced by G.
Protein change: p.Ile313Val; replaces isoleucine 313 with valine.
Molecular consequence: missense variant.
Genome position (GRCh38, 1-based): chr5:138,827,593, A>G. VCF-style: chr5-138827593-A-G. GRCh37 (hg19) VCF-style: chr5-138163282-A-G.
Other names: c.937A>G, p.Ile313Val (NM_001290307.3, NM_001323982.2, NM_001323983.1 and 3 more transcripts); c.628A>G, p.Ile210Val (NM_001290309.3); c.568A>G, p.Ile190Val (NM_001290310.3); short protein forms I190V, I210V, I313V.
Identifiers: ClinVar variation 1017979 (VCV001017979.8), dbSNP rs1760849989, ClinGen allele CA361130899.
Genomic context (GRCh38, chr5:138,827,593, plus strand): 5'-CCCTTGAGCTTCAGCGAGGAGCGCTTTAGGCCTTCCCTGGAGGAGCGTCTGGAAAGCATC[A>G]TTAGTGGGGCTGCCTTGATGGCCGACTCGTCCTGCACGCGTGATGACCGTCGTGAGCGAA-3'
Protein context (NP_001894.2, residues 303-323): PSLEERLESI[Ile313Val]SGAALMADSS

ClinVar aggregate classification (germline): Uncertain significance (1 of 4 stars; one submission).

Allele frequency attached by ClinVar (database versions not stated): gnomAD exomes below 0.00001.
gnomAD v4.1: 2 of 1,614,184 alleles (0.00012%); highest among the groups gnomAD compares: East Asian, 0.0022%; no homozygotes.

Submission:

Labcorp Genetics (formerly Invitae), Labcorp
Classification: Uncertain significance. Last evaluated: 2023-08-07. Review status: criteria provided, single submitter. Criteria: Invitae Variant Classification Sherloc (09022015). Collection method: clinical testing. Allele origin: germline.
Comment: In summary, the available evidence is currently insufficient to determine the role of this variant in disease. Therefore, it has been classified as a Variant of Uncertain Significance. Advanced modeling of protein sequence and biophysical properties (such as structural, functional, and spatial information, amino acid conservation, physicochemical variation, residue mobility, and thermodynamic stability) performed at Invitae indicates that this missense variant is not expected to disrupt CTNNA1 protein function. ClinVar contains an entry for this variant (Variation ID: 1017979). This variant has not been reported in the literature in individuals affected with CTNNA1-related conditions. This variant is not present in population databases (gnomAD no frequency). This sequence change replaces isoleucine, which is neutral and non-polar, with valine, which is neutral and non-polar, at codon 313 of the CTNNA1 protein (p.Ile313Val).